The following is an entry in ClinVar:

ClinVar aggregate classification (germline): Uncertain significance (1 of 4 stars; one submission).

Conditions:
Cardiovascular phenotype. Identifiers: MedGen CN230736.

Submission:

Ambry Genetics
Classification: Uncertain significance for Cardiovascular phenotype. Last evaluated: 2020-08-25. Review status: criteria provided, single submitter. Criteria: Ambry Variant Classification Scheme 2023. Collection method: clinical testing. Allele origin: germline.
Comment: The p.S113G variant (also known as c.337A>G), located in coding exon 3 of the CASQ2 gene, results from an A to G substitution at nucleotide position 337. The serine at codon 113 is replaced by glycine, an amino acid with similar properties. This amino acid position is highly conserved in available vertebrate species. In addition, the in silico prediction for this alteration is inconclusive. Since supporting evidence is limited at this time, the clinical significance of this alteration remains unclear.

NM_001232.4(CASQ2):c.337A>G (p.Ser113Gly)

Gene: CASQ2 (calsequestrin 2; minus strand). Cytogenetic location: 1p13.1.
Variant type: single nucleotide variant.
Coding change: c.337A>G on transcript NM_001232.4 (MANE Select); coding-DNA position 337, A replaced by G.
Protein change: p.Ser113Gly; replaces serine 113 with glycine.
Molecular consequence: missense variant.
Genome position (GRCh38, 1-based): chr1:115,740,811, T>C on the plus strand (A>G on the coding strand, the complement: CASQ2 is on the minus strand). VCF-style: chr1-115740811-T-C. GRCh37 (hg19) VCF-style: chr1-116283432-T-C.
Other names: short protein forms S113G.
Identifiers: ClinVar variation 1730796 (VCV001730796.2), dbSNP rs758425455, ClinGen allele CA341764513.